The following is an entry in ClinVar:

ClinVar aggregate classification (germline): Pathogenic (1 of 4 stars; one submission).

Conditions:
Immunodeficiency 31B. Also called: STAT1 DEFICIENCY, AUTOSOMAL RECESSIVE; IMMUNODEFICIENCY 31B, MYCOBACTERIAL AND VIRAL INFECTIONS, AUTOSOMAL RECESSIVE. Identifiers: Orphanet 391311, MedGen C3151088, MONDO:0013427, OMIM 613796.
Autoimmune enteropathy and endocrinopathy - susceptibility to chronic infections syndrome. Also called: Immunodeficiency 31C, autosomal dominant; Immunodeficiency 31C. Identifiers: Orphanet 391487, MedGen C3279990, MONDO:0013599, OMIM 614162.
Mendelian susceptibility to mycobacterial diseases due to partial STAT1 deficiency. Also called: IMMUNODEFICIENCY 31A, MYCOBACTERIOSIS, AUTOSOMAL DOMINANT; STAT1 DEFICIENCY, AUTOSOMAL DOMINANT; Immunodeficiency 31a. Identifiers: Orphanet 319595, MedGen C4013950, MONDO:0013956, OMIM 614892.

Submission:

Labcorp Genetics (formerly Invitae), Labcorp
Classification: Pathogenic for Mendelian susceptibility to mycobacterial diseases due to partial STAT1 deficiency; Immunodeficiency 31B; Autoimmune enteropathy and endocrinopathy - susceptibility to chronic infections syndrome. Last evaluated: 2021-08-04. Review status: criteria provided, single submitter. Criteria: Invitae Variant Classification Sherloc (09022015). Collection method: clinical testing. Allele origin: germline.
Comment: This sequence change replaces serine with arginine at codon 466 of the STAT1 protein (p.Ser466Arg). The serine residue is highly conserved and there is a moderate physicochemical difference between serine and arginine. This variant is not present in population databases (ExAC no frequency). This missense change has been observed in individual(s) with clinical features of STAT1-related conditions (PMID: 26604104, 28601685, 31448411; Invitae). Algorithms developed to predict the effect of missense changes on protein structure and function are either unavailable or do not agree on the potential impact of this missense change (SIFT: "Tolerated"; PolyPhen-2: "Probably Damaging"; Align-GVGD: "Class C0"). For these reasons, this variant has been classified as Pathogenic.

Literature cited by the submitters: PubMed 26604104; PubMed 28601685; PubMed 31448411.

NM_007315.4(STAT1):c.1398C>A (p.Ser466Arg)

Gene: STAT1 (signal transducer and activator of transcription 1; minus strand). Cytogenetic location: 2q32.2.
Variant type: single nucleotide variant.
Coding change: c.1398C>A on transcript NM_007315.4 (MANE Select); coding-DNA position 1398, C replaced by A.
Protein change: p.Ser466Arg; replaces serine 466 with arginine.
Molecular consequence: missense variant.
Genome position (GRCh38, 1-based): chr2:190,983,690, G>T on the plus strand (C>A on the coding strand, the complement: STAT1 is on the minus strand). VCF-style: chr2-190983690-G-T. GRCh37 (hg19) VCF-style: chr2-191848416-G-T.
Other names: c.1392C>A, p.Ser464Arg (NM_001384882.1); c.1299C>A, p.Ser433Arg (NM_001384883.1); c.1404C>A, p.Ser468Arg (NM_001384884.1, NM_001384881.1); c.1239C>A, p.Ser413Arg (NM_001384885.1); c.1398C>A, p.Ser466Arg (NM_001384886.1, NM_001384889.1, NM_139266.3); c.1305C>A, p.Ser435Arg (NM_001384887.1); c.1368C>A, p.Ser456Arg (NM_001384888.1); c.1308C>A, p.Ser436Arg (NM_001384890.1); and 2 more; short protein forms S413R, S433R, S435R, S436R, S446R, S456R, S464R, S466R.
Identifiers: ClinVar variation 1074337 (VCV001074337.7), dbSNP rs763759889, ClinGen allele CA349917214.